The following is an entry in ClinVar:

NM_001370658.1(BTD):c.534_536del (p.Val179del)

Gene: BTD (biotinidase; plus strand). Cytogenetic location: 3p25.1.
Variant type: Deletion.
Coding change: c.534_536del on transcript NM_001370658.1 (MANE Select); coding-DNA positions 534 to 536, 3 bases deleted (CGT; older notation c.534_536delCGT).
Protein change: p.Val179del; deletes valine 179.
Molecular consequence: intron variant (on NM_001407400.1). On other transcripts: inframe indel (1).
Genome position (GRCh38, 1-based): chr3:15,644,450-15,644,452, CGT deleted; deleting any 3 consecutive bases within chr3:15,644,448-15,644,452 gives the same sequence; the c. name uses the placement nearest the transcript's 3' end. VCF-style (leftmost placement, unchanged base first): chr3-15644447-TGTC-T. GRCh37 (hg19) VCF-style: chr3-15685954-TGTC-T.
Other names: c.399+2393_399+2395del (NM_001407400.1, NM_001407380.1, NM_001407398.1 and 3 more transcripts); c.594_596del (NM_000060.4); c.534_536del, p.Val179del (NM_001281723.4, NM_001281724.3, NM_001281725.3 and 18 more transcripts); short protein forms V179del.
Identifiers: ClinVar variation 587749 (VCV000587749.15), dbSNP rs397514373, ClinGen allele CA278231.

ClinVar aggregate classification (germline): Pathogenic/Likely pathogenic. Review status: criteria provided, multiple submitters, no conflicts (2 of 4 stars). 4 submissions from 4 submitters: Pathogenic (2); Likely pathogenic (2). Last evaluated 2025-12-01.

Conditions:
Biotinidase deficiency. Also called: BTD deficiency; Late-onset biotin-responsive multiple carboxylase deficiency; Biotin deficiency. Identifiers: Orphanet 79241, MedGen C0220754, MONDO:0009665, OMIM 253260.

Submissions (4):

CeGaT Center for Human Genetics Tuebingen
Classification: Pathogenic. Last evaluated: 2025-12-01. Review status: criteria provided, single submitter. Criteria: CeGaT Center For Human Genetics Tuebingen Variant Classification Criteria Version 2. Collection method: clinical testing. Allele origin: germline. Affected: yes. Observed: 1 variant allele.
Comment: BTD: PM3:Very Strong, PM2, PM4:Supporting, PP4

GeneDx
Classification: Likely pathogenic. Last evaluated: 2025-08-02. Review status: criteria provided, single submitter. Criteria: GeneDx Variant Classification Process June 2021. Collection method: clinical testing. Allele origin: germline. Affected: yes.
Comment: In-frame deletion of 1 amino acid(s) in a non-repeat region; Not observed at significant frequency in large population cohorts (gnomAD); In silico analysis does not support a benign or deleterious effect of this variant on protein structure/function; Also known as c.594_596del, p.(V199del); This variant is associated with the following publications: (PMID: 38299772, 25174816, 9396567, 28498829)

Labcorp Genetics (formerly Invitae), Labcorp
Classification: Pathogenic for Biotinidase deficiency. Last evaluated: 2025-06-17. Review status: criteria provided, single submitter. Criteria: Invitae Variant Classification Sherloc (09022015). Collection method: clinical testing. Allele origin: germline.
Comment: This variant, c.594_596del, results in the deletion of 1 amino acid(s) of the BTD protein (p.Val199del), but otherwise preserves the integrity of the reading frame. This variant is not present in population databases (gnomAD no frequency). This variant has been observed in individual(s) with biotinidase deficiency (PMID: 9396567, 25174816). In at least one individual the data is consistent with being in trans (on the opposite chromosome) from a pathogenic variant. ClinVar contains an entry for this variant (Variation ID: 587749). This variant disrupts the p.Val199 amino acid residue in BTD. Other variant(s) that disrupt this residue have been determined to be pathogenic (PMID: 12359137, 15060693, 25174816, 28498829). This suggests that this residue is clinically significant, and that variants that disrupt this residue are likely to be disease-causing. For these reasons, this variant has been classified as Pathogenic.

Quest Diagnostics Nichols Institute San Juan Capistrano
Classification: Likely pathogenic. Last evaluated: 2018-09-20. Review status: criteria provided, single submitter. Criteria: Quest Diagnostics criteria. Collection method: clinical testing. Allele origin: germline.
Comment: Not found in the total gnomAD dataset, and the data is high quality (0/277192 chr). Found in at least one symptomatic patient. Assessment of experimental evidence suggests this variant results in abnormal protein function.

Literature cited by the submitters: PubMed 9396567 (cited by Labcorp Genetics (formerly Invitae), Labcorp and Quest Diagnostics Nichols Institute San Juan Capistrano); PubMed 25174816 (cited by Labcorp Genetics (formerly Invitae), Labcorp and Quest Diagnostics Nichols Institute San Juan Capistrano); PubMed 12359137 (cited by Labcorp Genetics (formerly Invitae), Labcorp); PubMed 15060693 (cited by Labcorp Genetics (formerly Invitae), Labcorp); PubMed 28498829 (cited by Labcorp Genetics (formerly Invitae), Labcorp).